The following is an entry in ClinVar:

NM_000987.5(RPL26):c.309+13_309+14delinsCT

Gene: RPL26 (ribosomal protein L26; minus strand). Cytogenetic location: 17p13.1.
Variant type: Indel.
Coding change: c.309+13_309+14delinsCT on transcript NM_000987.5 (MANE Select); bases 13 to 14 of the intron after coding-DNA position 309, GA replaced by CT.
Molecular consequence: intron variant.
Genome position (GRCh38, 1-based): chr17:8,379,782-8,379,783, TC replaced by AG on the plus strand (GA replaced by CT on the coding strand, the reverse complement: RPL26 is on the minus strand). VCF-style: chr17-8379782-TC-AG. GRCh37 (hg19) VCF-style: chr17-8283100-TC-AG.
Other names: c.309+13_309+14delinsCT (NM_001315531.2, NM_001315530.2).
Identifiers: ClinVar variation 2841018 (VCV002841018.3), dbSNP rs2544005650, ClinGen allele CA2739267129.

ClinVar aggregate classification (germline): Uncertain significance (1 of 4 stars; one submission).

Conditions:
Diamond-Blackfan anemia. Also called: Blackfan Diamond syndrome; Aregenerative anemia chronic congenital; Red cell aplasia, pure hereditary; Congenital hypoplastic anemia; Aase syndrome. Identifiers: Orphanet 124, MedGen C1260899, MeSH D029503, MONDO:0015253, HP:0004810.

Submission:

Labcorp Genetics (formerly Invitae), Labcorp
Classification: Uncertain significance for Diamond-Blackfan anemia. Last evaluated: 2023-02-26. Review status: criteria provided, single submitter. Criteria: Invitae Variant Classification Sherloc (09022015). Collection method: clinical testing. Allele origin: germline.
Comment: In summary, the available evidence is currently insufficient to determine the role of this variant in disease. Therefore, it has been classified as a Variant of Uncertain Significance. This sequence change falls in intron 3 of the RPL26 gene. It does not directly change the encoded amino acid sequence of the RPL26 protein. Information on the frequency of this variant in the gnomAD database is not available, as this variant may be reported differently in the database. This variant has not been reported in the literature in individuals affected with RPL26-related conditions. Experimental studies and prediction algorithms are not available or were not evaluated, and the effect of this variant on mRNA splicing is currently unknown.